The following is an entry in ClinVar:

NM_004621.6(TRPC6):c.317dup (p.Ala106_Glu107insTer)

Gene: TRPC6 (transient receptor potential cation channel subfamily C member 6; minus strand). Cytogenetic location: 11q22.1.
Variant type: Duplication.
Coding change: c.317dup on transcript NM_004621.6 (MANE Select); coding-DNA position 317, one base duplicated (C; older notation c.317dupC).
Protein change: p.Ala106_Glu107insTer.
Molecular consequence: frameshift variant.
Genome position (GRCh38, 1-based): chr11:101,504,652, G duplicated on the plus strand (C on the coding strand, the reverse complement: TRPC6 is on the minus strand). VCF-style (leftmost placement, unchanged base first): chr11-101504651-A-AG. GRCh37 (hg19) VCF-style: chr11-101375382-A-AG.
Identifiers: ClinVar variation 3341414 (VCV003341414.1).

ClinVar aggregate classification (germline): Uncertain significance (1 of 4 stars; one submission).

Conditions:
Focal segmental glomerulosclerosis 2 (FSGS2). Identifiers: Orphanet 656, MedGen C1858915, MONDO:0011390, OMIM 603965.

Submission:

Neuberg Centre For Genomic Medicine, NCGM
Classification: Uncertain significance for Focal segmental glomerulosclerosis 2. Last evaluated: 2023-05-20. Review status: criteria provided, single submitter. Criteria: ACMG Guidelines, 2015. Collection method: clinical testing. Allele origin: germline. Inheritance: Autosomal dominant inheritance. Affected: yes.
Comment: The observed frameshift c.317dup(p.Glu107Ter) variant in TRPC6 gene has not been reported previously as a pathogenic variant nor as a benign variant, to our knowledge. The c.317dup variant is absent in gnomAD Exomes database. This variant has not been submitted to the ClinVar database. The current clinical and genetic evidence is not sufficient to establish whether loss-of-function variants in TRPC6 gene cause disease. For these reasons, this variant has been classified as Variant of Uncertain Significance (VUS).